The following is an entry in ClinVar:

NM_004655.4(AXIN2):c.2296G>T (p.Val766Phe)

Gene: AXIN2 (axin 2; minus strand). Cytogenetic location: 17q24.1.
Variant type: single nucleotide variant.
Coding change: c.2296G>T on transcript NM_004655.4 (MANE Select); coding-DNA position 2296, G replaced by T.
Protein change: p.Val766Phe; replaces valine 766 with phenylalanine.
Molecular consequence: missense variant.
Genome position (GRCh38, 1-based): chr17:65,534,021, C>A on the plus strand (G>T on the coding strand, the complement: AXIN2 is on the minus strand). VCF-style: chr17-65534021-C-A. GRCh37 (hg19) VCF-style: chr17-63530139-C-A.
Other names: c.2101G>T, p.Val701Phe (NM_001363813.1); short protein forms V701F, V766F.
Identifiers: ClinVar variation 1011150 (VCV001011150.8), dbSNP rs2043867154, ClinGen allele CA400675563.

ClinVar aggregate classification (germline): Uncertain significance (1 of 4 stars; one submission).

Conditions:
Oligodontia-cancer predisposition syndrome. Also called: TOOTH AGENESIS-COLORECTAL CANCER SYNDROME. Identifiers: Orphanet 300576, MedGen C1837750, MONDO:0012075, OMIM 608615. Disease mechanism: loss of function.

Submission:

Labcorp Genetics (formerly Invitae), Labcorp
Classification: Uncertain significance for Oligodontia-cancer predisposition syndrome. Last evaluated: 2020-06-04. Review status: criteria provided, single submitter. Criteria: Invitae Variant Classification Sherloc (09022015). Collection method: clinical testing. Allele origin: germline.
Comment: In summary, the available evidence is currently insufficient to determine the role of this variant in disease. Therefore, it has been classified as a Variant of Uncertain Significance. Algorithms developed to predict the effect of missense changes on protein structure and function (SIFT, PolyPhen-2, Align-GVGD) all suggest that this variant is likely to be disruptive, but these predictions have not been confirmed by published functional studies and their clinical significance is uncertain. This variant has not been reported in the literature in individuals with AXIN2-related conditions. This variant is not present in population databases (ExAC no frequency). This sequence change replaces valine with phenylalanine at codon 766 of the AXIN2 protein (p.Val766Phe). The valine residue is highly conserved and there is a small physicochemical difference between valine and phenylalanine.